The following is an entry in ClinVar:

ClinVar aggregate classification (germline): Uncertain significance (1 of 4 stars; one submission).

Allele frequency attached by ClinVar (database versions not stated): gnomAD 0.00001.
gnomAD v4.1: 1 of 1,608,974 alleles (0.000062%); highest among the groups gnomAD compares: Admixed American, 0.0017%; no homozygotes.

Submission:

Labcorp Genetics (formerly Invitae), Labcorp
Classification: Uncertain significance. Last evaluated: 2022-08-08. Review status: criteria provided, single submitter. Criteria: Invitae Variant Classification Sherloc (09022015). Collection method: clinical testing. Allele origin: germline.
Comment: This variant is not present in population databases (gnomAD no frequency). In summary, the available evidence is currently insufficient to determine the role of this variant in disease. Therefore, it has been classified as a Variant of Uncertain Significance. Algorithms developed to predict the effect of sequence changes on RNA splicing suggest that this variant may create or strengthen a splice site. This variant has not been reported in the literature in individuals affected with IDH3A-related conditions. This sequence change falls in intron 7 of the IDH3A gene. It does not directly change the encoded amino acid sequence of the IDH3A protein.

NM_005530.3(IDH3A):c.715-15A>G

Gene: IDH3A (isocitrate dehydrogenase (NAD(+)) 3 catalytic subunit alpha; plus strand). Cytogenetic location: 15q25.1.
Variant type: single nucleotide variant.
Coding change: c.715-15A>G on transcript NM_005530.3 (MANE Select); 15 bases into the intron before coding-DNA position 715, A replaced by G.
Molecular consequence: intron variant.
Genome position (GRCh38, 1-based): chr15:78,163,701, A>G. VCF-style: chr15-78163701-A-G. GRCh37 (hg19) VCF-style: chr15-78456043-A-G.
Identifiers: ClinVar variation 1997005 (VCV001997005.4), dbSNP rs2074707409, ClinGen allele CA971767806.